The following is an entry in ClinVar:

ClinVar aggregate classification (germline): Benign. Review status: criteria provided, multiple submitters, no conflicts (2 of 4 stars). 4 submissions from 4 submitters: Benign (3). 1 of the submissions does not count toward it. Last evaluated 2026-02-02.

Conditions:
CPAMD8-related disorder. Also called: CPAMD8-related condition.

Allele frequency attached by ClinVar (database versions not stated): gnomAD exomes 0.77720; ESP Exome Variant Server 0.82115; gnomAD 0.81348 and 0.80511; 1000 Genomes Project 30x 0.75437; 1000 Genomes Project 0.74840; TOPMed 0.80681.

Submissions (4):

Labcorp Genetics (formerly Invitae), Labcorp
Classification: Benign. Last evaluated: 2026-02-02. Review status: criteria provided, single submitter. Criteria: Invitae Variant Classification Sherloc (09022015). Collection method: clinical testing. Allele origin: germline.

GeneDx
Classification: Benign. Last evaluated: 2021-02-02. Review status: criteria provided, single submitter. Criteria: GeneDx Variant Classification Process June 2021. Collection method: clinical testing. Allele origin: germline. Affected: yes.

Breakthrough Genomics
Classification: Benign. Review status: criteria provided, single submitter. Criteria: ACMG Guidelines, 2015. Collection method: not provided. Allele origin: germline. Inheritance: Autosomal recessive inheritance. Affected: yes.

PreventionGenetics, part of Exact Sciences
Classification: Benign for CPAMD8-related condition. Last evaluated: 2019-03-05. Review status: no assertion criteria provided. Collection method: clinical testing. Allele origin: germline. Not counted in ClinVar's aggregate classification.
Comment: This variant is classified as benign based on ACMG/AMP sequence variant interpretation guidelines (Richards et al. 2015 PMID: 25741868, with internal and published modifications).

NM_015692.5(CPAMD8):c.794T>C (p.Met265Thr)

Gene: CPAMD8 (C3 and PZP like alpha-2-macroglobulin domain containing 8; minus strand). Cytogenetic location: 19p13.11.
Variant type: single nucleotide variant.
Coding change: c.794T>C on transcript NM_015692.5 (MANE Select); coding-DNA position 794, T replaced by C.
Protein change: p.Met265Thr; replaces methionine 265 with threonine.
Molecular consequence: missense variant. On other transcripts: non-coding transcript variant (1).
Genome position (GRCh38, 1-based): chr19:17,000,487, A>G on the plus strand (T>C on the coding strand, the complement: CPAMD8 is on the minus strand). VCF-style: chr19-17000487-A-G. GRCh37 (hg19) VCF-style: chr19-17111297-A-G.
Other names: short protein forms M265T.
Identifiers: ClinVar variation 1223884 (VCV001223884.14), dbSNP rs4808551, ClinGen allele CA9285944.